The following is an entry in ClinVar:

NM_001042603.3(KDM5A):c.244-2A>C

Gene: KDM5A (lysine demethylase 5A; minus strand). Cytogenetic location: 12p13.33.
Variant type: single nucleotide variant.
Coding change: c.244-2A>C on transcript NM_001042603.3 (MANE Select); the canonical splice acceptor site of the intron before coding-DNA position 244, A replaced by C.
Molecular consequence: splice acceptor variant.
Genome position (GRCh38, 1-based): chr12:384,155, T>G on the plus strand (A>C on the coding strand, the complement: KDM5A is on the minus strand). VCF-style: chr12-384155-T-G. GRCh37 (hg19) VCF-style: chr12-493321-T-G.
Identifiers: ClinVar variation 3364979 (VCV003364979.1).

ClinVar aggregate classification (germline): Uncertain significance (1 of 4 stars; one submission).

Submission:

GeneDx
Classification: Uncertain significance. Last evaluated: 2023-11-30. Review status: criteria provided, single submitter. Criteria: GeneDx Variant Classification Process June 2021. Collection method: clinical testing. Allele origin: germline. Affected: yes.
Comment: Canonical splice site variant in a gene for which loss-of-function is not an established mechanism of disease; Not observed at significant frequency in large population cohorts (gnomAD); Has not been previously published as pathogenic or benign to our knowledge